The following is an entry in ClinVar:

NM_001458.5(FLNC):c.3790+5G>A

Gene: FLNC (filamin C; plus strand). Cytogenetic location: 7q32.1.
Variant type: single nucleotide variant.
Coding change: c.3790+5G>A on transcript NM_001458.5 (MANE Select); 5 bases into the intron after coding-DNA position 3790, G replaced by A.
Molecular consequence: intron variant.
Genome position (GRCh38, 1-based): chr7:128,845,260, G>A. VCF-style: chr7-128845260-G-A. GRCh37 (hg19) VCF-style: chr7-128485314-G-A.
Other names: c.3790+5G>A (NM_001127487.2).
Identifiers: ClinVar variation 539452 (VCV000539452.19), dbSNP rs199917473, ClinGen allele CA4475126.
Genomic context (GRCh38, chr7:128,845,260, plus strand): 5'-GCCTGCGGTCGATACCAGTGGCGTCAAGGTCTCAGGGCCTGGTGTTGAGCCACACGGTGA[G>A]TGGACAGGAGGAGCCAAGAAAGGTCAAGTGGCAGGTGCAGGAGCTGGGTAGTCCGTGGGA-3'

ClinVar aggregate classification (germline): Conflicting classifications of pathogenicity. Review status: criteria provided, conflicting classifications (1 of 4 stars). 5 submissions from 5 submitters: Uncertain significance (1); Benign (1); Likely benign (3). Last evaluated 2026-01-18.

Conditions:
Cardiovascular phenotype. Identifiers: MedGen CN230736.
Hypertrophic cardiomyopathy 26. Also called: Cardiomyopathy, familial hypertrophic, 26. Identifiers: Orphanet 75249, MedGen C4310749, MONDO:0014883, OMIM 617047.
Distal myopathy with posterior leg and anterior hand involvement. Also called: WILLIAMS DISTAL MYOPATHY. Identifiers: Orphanet 63273, MedGen C3279722, MONDO:0013550, OMIM 614065.
Myofibrillar myopathy 5. Also called: Filaminopathy (type); FILAMINOPATHY, AUTOSOMAL DOMINANT. Identifiers: Orphanet 171445, MedGen C1836050, MONDO:0012289, OMIM 609524.
FLNC-related disorder. Also called: FLNC-related disorders; FLNC-related condition.

Allele frequency attached by ClinVar (database versions not stated): gnomAD exomes 0.00004 and 0.00018; TOPMed 0.00016; gnomAD 0.00019; ExAC 0.00024; ESP Exome Variant Server 0.00031; 1000 Genomes Project 30x 0.00078; 1000 Genomes Project 0.00080.
gnomAD v4.1: 100 of 1,610,226 alleles (0.0062%); highest among the groups gnomAD compares: East Asian, 0.078%; 1 homozygote.

Submissions (7):

Labcorp Genetics (formerly Invitae), Labcorp
Classification: Likely benign for Distal myopathy with posterior leg and anterior hand involvement; Myofibrillar myopathy 5; Hypertrophic cardiomyopathy 26. Last evaluated: 2026-01-18. Review status: criteria provided, single submitter. Criteria: Invitae Variant Classification Sherloc (09022015). Collection method: clinical testing. Allele origin: germline.

GeneDx
Classification: Uncertain significance. Last evaluated: 2025-04-16. Review status: criteria provided, single submitter. Criteria: GeneDx Variant Classification Process June 2021. Collection method: clinical testing. Allele origin: germline. Affected: yes.
Comment: Identified in an individual with HCM (PMID: 30411535); Intronic +5 splice site variant in a gene for which loss of function is a known mechanism of disease, and splice predictors support a deleterious effect; This variant is associated with the following publications: (PMID: 30411535)

PreventionGenetics, part of Exact Sciences
Classification: Likely benign for FLNC-related condition. Last evaluated: 2025-03-26. Review status: criteria provided, single submitter. Criteria: ACMG Guidelines, 2015. Collection method: clinical testing. Allele origin: germline.
Comment: This variant is classified as likely benign based on ACMG/AMP sequence variant interpretation guidelines (Richards et al. 2015 PMID: 25741868, with internal and published modifications).

Blueprint Genetics
Classification: Likely benign. Last evaluated: 2022-08-31. Review status: criteria provided, single submitter. Criteria: ACMG Guidelines, 2015. Collection method: clinical testing. Allele origin: germline.

Ambry Genetics
Classification: Benign for Cardiovascular phenotype. Last evaluated: 2021-05-25. Review status: criteria provided, single submitter. Criteria: Ambry Variant Classification Scheme 2023. Collection method: clinical testing. Allele origin: germline.

Dr. Peter K. Rogan Lab, Western University
No classification provided (evidence only). Condition: Malignant tumor of esophagus. Review status: no classification provided. Collection method: in vitro. Allele origin: not applicable. Functional consequence: retained intron. Not counted in ClinVar's aggregate classification.

Dr. Peter K. Rogan Lab, Western University
No classification provided (evidence only). Condition: Malignant tumor of esophagus. Review status: no classification provided. Collection method: in vitro. Allele origin: not applicable. Functional consequence: retained intron. Not counted in ClinVar's aggregate classification.

Literature cited by the submitters: PubMed 30411535 (cited by Ambry Genetics).